The following is an entry in ClinVar:

NM_001293298.2(CEMIP):c.3579G>C (p.Val1193=)

Gene: CEMIP (cell migration inducing hyaluronidase 1; plus strand). Cytogenetic location: 15q25.1.
Variant type: single nucleotide variant.
Coding change: c.3579G>C on transcript NM_001293298.2 (MANE Select); coding-DNA position 3579, G replaced by C.
Protein change: p.Val1193=; no amino-acid change (valine 1193 retained).
Molecular consequence: synonymous variant.
Genome position (GRCh38, 1-based): chr15:80,942,020, G>C. VCF-style: chr15-80942020-G-C. GRCh37 (hg19) VCF-style: chr15-81234361-G-C.
Other names: c.3579G>C, p.Val1193= (NM_001293304.2, NM_018689.3).
Identifiers: ClinVar variation 3040583 (VCV003040583.2), dbSNP rs373335336, ClinGen allele CA7693617.

ClinVar aggregate classification (germline): Likely benign (0 of 4 stars; one submission).

Conditions:
CEMIP-related disorder. Also called: CEMIP-related condition.

Allele frequency attached by ClinVar (database versions not stated): ESP Exome Variant Server 0.00015; TOPMed 0.00029; gnomAD 0.00037; gnomAD exomes 0.00063; ExAC 0.00099.
gnomAD v4.1: 987 of 1,613,400 alleles (0.061%); highest among the groups gnomAD compares: Non-Finnish European, 0.072%; 1 homozygote.

Submission:

PreventionGenetics, part of Exact Sciences
Classification: Likely benign for CEMIP-related condition. Last evaluated: 2019-10-28. Review status: no assertion criteria provided. Collection method: clinical testing. Allele origin: germline.
Comment: This variant is classified as likely benign based on ACMG/AMP sequence variant interpretation guidelines (Richards et al. 2015 PMID: 25741868, with internal and published modifications).